The following is an entry in ClinVar:

ClinVar aggregate classification (somatic clinical impact): Tier II - Potential (1 of 4 stars; one submission).

Conditions:
Malignant glioma. Identifiers: MedGen C0555198, MONDO:0100342, MONDO:0015917.

gnomAD v4.1: 1 of 1,613,654 alleles (0.000062%); highest among the groups gnomAD compares: Non-Finnish European, 0.000085%; no homozygotes.

Submission:

Institute for Genomic Medicine (IGM) Clinical Laboratory, Nationwide Children's Hospital
Classification: Tier II - Potential for Malignant glioma. Assertion type: diagnostic. Clinical significance: supports diagnosis. Last evaluated: 2025-06-03. Review status: criteria provided, single submitter. Criteria: AMP/ASCO/CAP Guidelines, 2017. Collection method: clinical testing. Allele origin: somatic. Affected: yes.
Comment: Variant has Tier II (potential) clinical significance as a diagnostic inclusion criterion in malignant glioma, based on the following evidence: 1) Documented in one or more cancer databases (e.g., St. Jude Pecan, COSMIC, CIViC, OncoKB). 2) Assists in diagnosis alone or along with other biomarkers based on small studies or few case reports (Evidence Level D; PMID: 38835368).

Literature cited by the submitters: PubMed 38835368.

NM_000840.3(GRM3):c.806C>T (p.Ala269Val)

Genes: GRM3 (glutamate metabotropic receptor 3; plus strand), GRM3-AS1 (GRM3 antisense RNA 1; minus strand). Cytogenetic location: 7q21.12.
Variant type: single nucleotide variant.
Coding change: c.806C>T on transcript NM_000840.3 (MANE Select); coding-DNA position 806, C replaced by T.
Protein change: p.Ala269Val; replaces alanine 269 with valine.
Molecular consequence: missense variant.
Genome position (GRCh38, 1-based): chr7:86,786,598, C>T. VCF-style: chr7-86786598-C-T. GRCh37 (hg19) VCF-style: chr7-86415914-C-T.
Other names: c.806C>T, p.Ala269Val (NM_001363522.2); short protein forms A269V.
Identifiers: ClinVar variation 4530529 (VCV004530529.1).